The following is an entry in ClinVar:

NM_001371596.2(MFSD8):c.748G>T (p.Glu250Ter)

Gene: MFSD8 (major facilitator superfamily domain containing 8; minus strand). Cytogenetic location: 4q28.2.
Variant type: single nucleotide variant.
Coding change: c.748G>T on transcript NM_001371596.2 (MANE Select); coding-DNA position 748, G replaced by T.
Protein change: p.Glu250Ter; replaces glutamic acid 250 with a stop codon.
Molecular consequence: nonsense. On other transcripts: intron variant (3).
Genome position (GRCh38, 1-based): chr4:127,938,789, C>A on the plus strand (G>T on the coding strand, the complement: MFSD8 is on the minus strand). VCF-style: chr4-127938789-C-A. GRCh37 (hg19) VCF-style: chr4-128859944-C-A.
Other names: c.613G>T, p.Glu205Ter (NM_001371590.2); c.748G>T, p.Glu250Ter (NM_001371591.2, NM_001437269.1, NM_152778.4); c.754G>T, p.Glu252Ter (NM_001371592.2); c.634G>T, p.Glu212Ter (NM_001371593.2, NM_001410766.1); c.601G>T, p.Glu201Ter (NM_001371594.2); c.466G>T, p.Glu156Ter (NM_001371595.1); c.304+4963G>T (NM_001410765.1); c.439+4963G>T (NM_001363521.3); and 1 more; short protein forms E212*, E252*, E156*, E205*, E250*, E201*.
Identifiers: ClinVar variation 4734734 (VCV004734734.1).

ClinVar aggregate classification (germline): Pathogenic (1 of 4 stars; one submission).

Conditions:
Neuronal ceroid lipofuscinosis 7 (CLN7). Also called: MFSD8-Related Neuronal Ceroid-Lipofuscinosis. Identifiers: Orphanet 168491, Orphanet 228366, MedGen C1838571, MONDO:0012588, OMIM 610951.

Submission:

Labcorp Genetics (formerly Invitae), Labcorp
Classification: Pathogenic for Neuronal ceroid lipofuscinosis 7. Last evaluated: 2026-01-05. Review status: criteria provided, single submitter. Criteria: Invitae Variant Classification Sherloc (09022015). Collection method: clinical testing. Allele origin: germline.
Comment: This sequence change creates a premature translational stop signal (p.Glu250*) in the MFSD8 gene. It is expected to result in an absent or disrupted protein product. Loss-of-function variants in MFSD8 are known to be pathogenic (PMID: 19177532, 25227500, 28586915). This variant is not present in population databases (gnomAD no frequency). This variant has not been reported in the literature in individuals affected with MFSD8-related conditions. Algorithms developed to predict the effect of sequence changes on RNA splicing suggest that this variant may disrupt the consensus splice site. For these reasons, this variant has been classified as Pathogenic.

Literature cited by the submitters: PubMed 19177532; PubMed 25227500; PubMed 28586915.